The following is an entry in ClinVar:

ClinVar aggregate classification (germline): Likely benign. Review status: criteria provided, multiple submitters, no conflicts (2 of 4 stars). 4 submissions from 4 submitters: Likely benign (3). 1 of the submissions does not count toward it. Last evaluated 2025-09-23.

Conditions:
MME-related disorder. Also called: MME-related condition.

Allele frequency attached by ClinVar (database versions not stated): TOPMed 0.00015; gnomAD 0.00018; ExAC 0.00023; ESP Exome Variant Server 0.00046.
gnomAD v4.1: 525 of 1,613,984 alleles (0.033%); highest among the groups gnomAD compares: Non-Finnish European, 0.04%; 1 homozygote.

Submissions (4):

Labcorp Genetics (formerly Invitae), Labcorp
Classification: Likely benign. Last evaluated: 2025-09-23. Review status: criteria provided, single submitter. Criteria: Invitae Variant Classification Sherloc (09022015). Collection method: clinical testing. Allele origin: germline.

Mayo Clinic Laboratories, Mayo Clinic
Classification: Likely benign. Last evaluated: 2025-08-22. Review status: criteria provided, single submitter. Criteria: ACMG Guidelines, 2015. Collection method: clinical testing. Allele origin: germline. Observed: 1 variant allele.
Comment: BP4, BP7

Blueprint Genetics
Classification: Likely benign. Last evaluated: 2024-01-18. Review status: criteria provided, single submitter. Criteria: ACMG Guidelines, 2015. Collection method: clinical testing. Allele origin: germline.

PreventionGenetics, part of Exact Sciences
Classification: Likely benign for MME-related condition. Last evaluated: 2019-03-06. Review status: no assertion criteria provided. Collection method: clinical testing. Allele origin: germline. Not counted in ClinVar's aggregate classification.
Comment: This variant is classified as likely benign based on ACMG/AMP sequence variant interpretation guidelines (Richards et al. 2015 PMID: 25741868, with internal and published modifications).

NM_007289.4(MME):c.96G>A (p.Ser32=)

Gene: MME (membrane metalloendopeptidase; plus strand). Cytogenetic location: 3q25.2.
Variant type: single nucleotide variant.
Coding change: c.96G>A on transcript NM_007289.4 (MANE Select); coding-DNA position 96, G replaced by A.
Protein change: p.Ser32=; no amino-acid change (serine 32 retained).
Molecular consequence: synonymous variant.
Genome position (GRCh38, 1-based): chr3:155,084,263, G>A. VCF-style: chr3-155084263-G-A. GRCh37 (hg19) VCF-style: chr3-154802052-G-A.
Other names: p.Ser32=; c.96G>A (NM_007289.2, NM_007289.3); c.96G>A, p.Ser32= (NM_000902.5, NM_001354642.2, NM_001354643.1 and 3 more transcripts).
Identifiers: ClinVar variation 1559411 (VCV001559411.12), dbSNP rs61762320, ClinGen allele CA2675006.